The following is an entry in ClinVar:

ClinVar aggregate classification (germline): Uncertain significance. Review status: criteria provided, multiple submitters, no conflicts (2 of 4 stars). 2 submissions from 2 submitters: Uncertain significance (2). Last evaluated 2024-11-26.

Conditions:
NUS1-related disorder. Also called: NUS1-related condition; NUS1-Related Disorders. Identifiers: MedGen CN382504, MONDO:1060287.
Congenital disorder of glycosylation, type Iaa. Also called: Congenital disorder of glycosylation, type 1aa. Identifiers: MedGen C4310727, MONDO:0014904, OMIM 617082.

Submissions (2):

Labcorp Genetics (formerly Invitae), Labcorp
Classification: Uncertain significance for Congenital disorder of glycosylation, type Iaa. Last evaluated: 2024-11-26. Review status: criteria provided, single submitter. Criteria: Invitae Variant Classification Sherloc (09022015). Collection method: clinical testing. Allele origin: germline.
Comment: This variant, c.71_73del, results in the deletion of 1 amino acid(s) of the NUS1 protein (p.Ser24del), but otherwise preserves the integrity of the reading frame. This variant is not present in population databases (gnomAD no frequency). This variant has been observed in individual(s) with clinical features of developmental and epileptic encephalopathy (internal data). Experimental studies and prediction algorithms are not available or were not evaluated, and the functional significance of this variant is currently unknown. In summary, the available evidence is currently insufficient to determine the role of this variant in disease. Therefore, it has been classified as a Variant of Uncertain Significance.

PreventionGenetics, part of Exact Sciences
Classification: Uncertain significance for NUS1-related condition. Last evaluated: 2023-06-12. Review status: criteria provided, single submitter. Criteria: ACMG Guidelines, 2015. Collection method: clinical testing. Allele origin: germline.
Comment: The NUS1 c.71_73delCCT variant is predicted to result in an in-frame deletion (p.Ser24del). To our knowledge, this variant has not been reported in the literature or in a large population database, indicating this variant is rare. At this time, the clinical significance of this variant is uncertain due to the absence of conclusive functional and genetic evidence.

NM_138459.5(NUS1):c.68CCT[1] (p.Ser24del)

Gene: NUS1 (NUS1 dehydrodolichyl diphosphate synthase subunit; plus strand). Cytogenetic location: 6q22.1.
Variant type: Microsatellite.
Coding change: c.68CCT[1] on transcript NM_138459.5 (MANE Select); one copy of the 3-base unit CCT starting at c.68; the reference has two copies in a row; one copy, 3 bases deleted.
Protein change: p.Ser24del; deletes serine 24.
Molecular consequence: inframe deletion.
Genome position (GRCh38, 1-based): chr6:117,675,741-117,675,743, CCT deleted; deleting any 3 consecutive bases within chr6:117,675,738-117,675,743 gives the same sequence; the position shown is the placement nearest the transcript's 3' end. VCF-style (leftmost placement, unchanged base first): chr6-117675737-ACCT-A. GRCh37 (hg19) VCF-style: chr6-117996900-ACCT-A.
Other names: c.71_73delCCT (NM_138459.3); short protein forms S24del.
Identifiers: ClinVar variation 2182269 (VCV002182269.5), dbSNP rs1772963203, ClinGen allele CA1093611601.